The following is an entry in ClinVar:

ClinVar aggregate classification (germline): Likely pathogenic (1 of 4 stars; one submission).

Conditions:
GYS1-related disorder. Also called: GYS1-related condition.

Submission:

PreventionGenetics, part of Exact Sciences
Classification: Likely pathogenic for GYS1-related condition. Last evaluated: 2023-03-06. Review status: criteria provided, single submitter. Criteria: ACMG Guidelines, 2015. Collection method: clinical testing. Allele origin: germline.
Comment: The GYS1 c.636C>A variant is predicted to result in premature protein termination (p.Tyr212*). To our knowledge, this variant has not been reported in the literature or in a large population database, indicating this variant is rare. Nonsense variants in GYS1 are expected to be pathogenic. This variant is interpreted as likely pathogenic.

NM_002103.5(GYS1):c.636C>A (p.Tyr212Ter)

Gene: GYS1 (glycogen synthase 1; minus strand). Cytogenetic location: 19q13.33.
Variant type: single nucleotide variant.
Coding change: c.636C>A on transcript NM_002103.5 (MANE Select); coding-DNA position 636, C replaced by A.
Protein change: p.Tyr212Ter; replaces tyrosine 212 with a stop codon.
Molecular consequence: nonsense. On other transcripts: non-coding transcript variant (1).
Genome position (GRCh38, 1-based): chr19:48,985,892, G>T on the plus strand (C>A on the coding strand, the complement: GYS1 is on the minus strand). VCF-style: chr19-48985892-G-T. GRCh37 (hg19) VCF-style: chr19-49489149-G-T.
Other names: c.444C>A, p.Tyr148Ter (NM_001161587.2); short protein forms Y148*, Y212*.
Identifiers: ClinVar variation 2630038 (VCV002630038.1), dbSNP rs2513729083, ClinGen allele CA406765081.